The following is an entry in ClinVar:

ClinVar aggregate classification (germline): Uncertain significance (1 of 4 stars; one submission).

Conditions:
Cardiovascular phenotype. Identifiers: MedGen CN230736.

Submission:

Ambry Genetics
Classification: Uncertain significance for Cardiovascular phenotype. Last evaluated: 2024-10-28. Review status: criteria provided, single submitter. Criteria: Ambry Variant Classification Scheme 2023. Collection method: clinical testing. Allele origin: germline.
Comment: The p.R20G variant (also known as c.58C>G), located in coding exon 1 of the CHST14 gene, results from a C to G substitution at nucleotide position 58. The arginine at codon 20 is replaced by glycine, an amino acid with dissimilar properties. This amino acid position is conserved. In addition, this alteration is predicted to be tolerated by in silico analysis. Based on the available evidence, the clinical significance of this variant remains unclear.

NM_130468.4(CHST14):c.58C>G (p.Arg20Gly)

Genes: CHST14 (carbohydrate sulfotransferase 14; plus strand), LOC130056851 (ATAC-STARR-seq lymphoblastoid silent region 6336; plus strand). Cytogenetic location: 15q15.1.
Variant type: single nucleotide variant.
Coding change: c.58C>G on transcript NM_130468.4 (MANE Select); coding-DNA position 58, C replaced by G.
Protein change: p.Arg20Gly; replaces arginine 20 with glycine.
Molecular consequence: missense variant.
Genome position (GRCh38, 1-based): chr15:40,471,271, C>G. VCF-style: chr15-40471271-C-G. GRCh37 (hg19) VCF-style: chr15-40763470-C-G.
Other names: short protein forms R20G.
Identifiers: ClinVar variation 3492635 (VCV003492635.1).